The following is an entry in ClinVar:

ClinVar aggregate classification (germline): Uncertain significance (1 of 4 stars; one submission).

Submission:

Ambry Genetics
Classification: Uncertain significance. Last evaluated: 2023-06-17. Review status: criteria provided, single submitter. Criteria: Ambry Variant Classification Scheme 2023. Collection method: clinical testing. Allele origin: germline.
Comment: The p.E1046G variant (also known as c.3137A>G), located in coding exon 17 of the PALLD gene, results from an A to G substitution at nucleotide position 3137. The glutamic acid at codon 1046 is replaced by glycine, an amino acid with similar properties. This amino acid position is conserved. In addition, the in silico prediction for this alteration is inconclusive. Since supporting evidence is limited at this time, the clinical significance of this alteration remains unclear.

NM_001166108.2(PALLD):c.3188A>G (p.Glu1063Gly)

Genes: CBR4 (carbonyl reductase 4; minus strand), PALLD (palladin, cytoskeletal associated protein; plus strand). Cytogenetic location: 4q32.3.
Variant type: single nucleotide variant.
Coding change: c.3188A>G on transcript NM_001166108.2 (MANE Select); coding-DNA position 3188, A replaced by G.
Protein change: p.Glu1063Gly; replaces glutamic acid 1063 with glycine.
Molecular consequence: missense variant.
Genome position (GRCh38, 1-based): chr4:168,924,384, A>G. VCF-style: chr4-168924384-A-G. GRCh37 (hg19) VCF-style: chr4-169845535-A-G.
Other names: c.1991A>G, p.Glu664Gly (NM_001166109.2); c.1676A>G, p.Glu559Gly (NM_001166110.2); c.1016A>G, p.Glu339Gly (NM_001367567.1, NM_001367569.1); c.1067A>G, p.Glu356Gly (NM_001367568.1, NM_001367570.1); c.3137A>G, p.Glu1046Gly (NM_016081.4); short protein forms E356G, E664G, E1063G, E339G, E1046G, E559G.
Identifiers: ClinVar variation 2625538 (VCV002625538.2), dbSNP rs2534253014, ClinGen allele CA358712759.